The following is an entry in ClinVar:

ClinVar aggregate classification (germline): Uncertain significance (1 of 4 stars; one submission).

Allele frequency attached by ClinVar (database versions not stated): gnomAD exomes below 0.00001; ExAC 0.00001; gnomAD 0.00001.
gnomAD v4.1: 3 of 1,613,960 alleles (0.00019%); highest among the groups gnomAD compares: Non-Finnish European, 0.00025%; no homozygotes.

Submission:

Labcorp Genetics (formerly Invitae), Labcorp
Classification: Uncertain significance. Last evaluated: 2022-06-11. Review status: criteria provided, single submitter. Criteria: Invitae Variant Classification Sherloc (09022015). Collection method: clinical testing. Allele origin: germline.
Comment: In summary, the available evidence is currently insufficient to determine the role of this variant in disease. Therefore, it has been classified as a Variant of Uncertain Significance. Algorithms developed to predict the effect of missense changes on protein structure and function output the following: SIFT: "Not Available"; PolyPhen-2: "Benign"; Align-GVGD: "Not Available". The arginine amino acid residue is found in multiple mammalian species, which suggests that this missense change does not adversely affect protein function. This variant has not been reported in the literature in individuals affected with COL4A2-related conditions. This variant is present in population databases (rs778506428, gnomAD 0.0009%). This sequence change replaces threonine, which is neutral and polar, with arginine, which is basic and polar, at codon 698 of the COL4A2 protein (p.Thr698Arg).

NM_001846.4(COL4A2):c.2093C>G (p.Thr698Arg)

Gene: COL4A2 (collagen type IV alpha 2 chain; plus strand). Cytogenetic location: 13q34.
Variant type: single nucleotide variant.
Coding change: c.2093C>G on transcript NM_001846.4 (MANE Select); coding-DNA position 2093, C replaced by G.
Protein change: p.Thr698Arg; replaces threonine 698 with arginine.
Molecular consequence: missense variant.
Genome position (GRCh38, 1-based): chr13:110,467,094, C>G. VCF-style: chr13-110467094-C-G. GRCh37 (hg19) VCF-style: chr13-111119441-C-G.
Other names: short protein forms T698R.
Identifiers: ClinVar variation 1924199 (VCV001924199.5), dbSNP rs778506428, ClinGen allele CA7049817.